The following is an entry in ClinVar:

ClinVar aggregate classification (germline): Benign/Likely benign. Review status: criteria provided, multiple submitters, no conflicts (2 of 4 stars). 2 submissions from 2 submitters: Benign (1); Likely benign (1). Last evaluated 2025-12-30.

Allele frequency attached by ClinVar (database versions not stated): gnomAD exomes 0.00004 and 0.00016; gnomAD 0.00007 and 0.00008; TOPMed 0.00008; ExAC 0.00015.
gnomAD v4.1: 75 of 1,613,790 alleles (0.0046%); highest among the groups gnomAD compares: East Asian, 0.14%; no homozygotes.

Submissions (2):

Labcorp Genetics (formerly Invitae), Labcorp
Classification: Benign. Last evaluated: 2025-12-30. Review status: criteria provided, single submitter. Criteria: Invitae Variant Classification Sherloc (09022015). Collection method: clinical testing. Allele origin: germline.

Laboratory for Molecular Medicine, Mass General Brigham Personalized Medicine
Classification: Likely benign. Last evaluated: 2017-08-23. Review status: criteria provided, single submitter. Criteria: LMM Criteria. Collection method: clinical testing. Allele origin: germline. Observed: 1 variant allele.
Comment: c.2129+15T>A in intron 21 of TMC1: This variant is not expected to have clinical significance because it does not alter an amino acid residue and is not located within the splice consensus sequence. It has been identified in 0.21% (18/8654) of East Asian chromosomes by the Exome Aggregation Consortium (ExAC; dbSNP rs747921456).

NM_138691.3(TMC1):c.2129+15T>A

Gene: TMC1 (transmembrane channel like 1; plus strand). Cytogenetic location: 9q21.13.
Variant type: single nucleotide variant.
Coding change: c.2129+15T>A on transcript NM_138691.3 (MANE Select); 15 bases into the intron after coding-DNA position 2129, T replaced by A.
Molecular consequence: intron variant.
Genome position (GRCh38, 1-based): chr9:72,827,009, T>A. VCF-style: chr9-72827009-T-A. GRCh37 (hg19) VCF-style: chr9-75441925-T-A.
Identifiers: ClinVar variation 667174 (VCV000667174.11), dbSNP rs747921456, ClinGen allele CA5082146.